The following is an entry in ClinVar:

NM_004304.5(ALK):c.1435T>C (p.Tyr479His)

Gene: ALK (ALK receptor tyrosine kinase; minus strand). Cytogenetic location: 2p23.2.
Variant type: single nucleotide variant.
Coding change: c.1435T>C on transcript NM_004304.5 (MANE Select); coding-DNA position 1435, T replaced by C.
Protein change: p.Tyr479His; replaces tyrosine 479 with histidine.
Molecular consequence: missense variant.
Genome position (GRCh38, 1-based): chr2:29,320,862, A>G on the plus strand (T>C on the coding strand, the complement: ALK is on the minus strand). VCF-style: chr2-29320862-A-G. GRCh37 (hg19) VCF-style: chr2-29543728-A-G.
Other names: short protein forms Y479H.
Identifiers: ClinVar variation 470752 (VCV000470752.9), dbSNP rs1400418889, ClinGen allele CA346472677.
Genomic context (GRCh38, chr2:29,320,862, plus strand): 5'-GAGTGTGGGGTGACAGTGTGCCTTGGGTCCAGCCACAGAAGCCATCTTCAAAGTTGCAGT[A>G]AAAACCCACAGGCAGTTTCCCTATGGAGAGAGCAGAGAGGCACCATCATTTTCAGGACCA-3'
Protein context (NP_004295.2, residues 469-489): QMCRKLPVGF[Tyr479His]CNFEDGFCGW

ClinVar aggregate classification (germline): Uncertain significance. Review status: criteria provided, multiple submitters, no conflicts (2 of 4 stars). 2 submissions from 2 submitters: Uncertain significance (2). Last evaluated 2024-12-04.

Conditions:
Neuroblastoma, susceptibility to, 3. Also called: ALK-Related Neuroblastic Tumor Susceptibility. Identifiers: Orphanet 635, MedGen C2751681, MONDO:0013083, OMIM 613014.
Hereditary cancer-predisposing syndrome. Also called: Hereditary neoplastic syndrome; Neoplastic Syndromes, Hereditary; Tumor predisposition; Hereditary Cancer Syndrome. Identifiers: Orphanet 140162, MedGen C0027672, MeSH D009386, MONDO:0015356.

Allele frequency attached by ClinVar (database versions not stated): gnomAD exomes below 0.00001.
gnomAD v4.1: 2 of 1,614,202 alleles (0.00012%); highest among the groups gnomAD compares: Non-Finnish European, 0.00017%; no homozygotes.

Submissions (2):

Labcorp Genetics (formerly Invitae), Labcorp
Classification: Uncertain significance for Neuroblastoma, susceptibility to, 3. Last evaluated: 2024-12-04. Review status: criteria provided, single submitter. Criteria: Invitae Variant Classification Sherloc (09022015). Collection method: clinical testing. Allele origin: germline.
Comment: This sequence change replaces tyrosine, which is neutral and polar, with histidine, which is basic and polar, at codon 479 of the ALK protein (p.Tyr479His). This variant is present in population databases (no rsID available, gnomAD 0.0009%). This variant has not been reported in the literature in individuals affected with ALK-related conditions. ClinVar contains an entry for this variant (Variation ID: 470752). An algorithm developed to predict the effect of missense changes on protein structure and function (PolyPhen-2) suggests that this variant is likely to be disruptive. In summary, the available evidence is currently insufficient to determine the role of this variant in disease. Therefore, it has been classified as a Variant of Uncertain Significance.

Ambry Genetics
Classification: Uncertain significance for Hereditary cancer-predisposing syndrome. Last evaluated: 2023-10-22. Review status: criteria provided, single submitter. Criteria: Ambry Variant Classification Scheme 2023. Collection method: clinical testing. Allele origin: germline.
Comment: The p.Y479H variant (also known as c.1435T>C), located in coding exon 7 of the ALK gene, results from a T to C substitution at nucleotide position 1435. The tyrosine at codon 479 is replaced by histidine, an amino acid with similar properties. This amino acid position is conserved. In addition, this alteration is predicted to be tolerated by in silico analysis. Since supporting evidence is limited at this time, the clinical significance of this alteration remains unclear.